The following is an entry in ClinVar:

NM_052867.4(NALCN):c.4897C>G (p.Gln1633Glu)

Gene: NALCN (sodium leak channel, non-selective; minus strand). Cytogenetic location: 13q32.3.
Variant type: single nucleotide variant.
Coding change: c.4897C>G on transcript NM_052867.4 (MANE Select); coding-DNA position 4897, C replaced by G.
Protein change: p.Gln1633Glu; replaces glutamine 1633 with glutamic acid.
Molecular consequence: missense variant.
Genome position (GRCh38, 1-based): chr13:101,059,826, G>C on the plus strand (C>G on the coding strand, the complement: NALCN is on the minus strand). VCF-style: chr13-101059826-G-C. GRCh37 (hg19) VCF-style: chr13-101712178-G-C.
Other names: c.4984C>G, p.Gln1662Glu (NM_001350748.2); c.4897C>G, p.Gln1633Glu (NM_001350749.2); c.4810C>G, p.Gln1604Glu (NM_001350750.2, NM_001350751.2); short protein forms Q1604E, Q1633E, Q1662E.
Identifiers: ClinVar variation 3381274 (VCV003381274.2).

ClinVar aggregate classification (germline): Uncertain significance. Review status: criteria provided, multiple submitters, no conflicts (2 of 4 stars). 2 submissions from 2 submitters: Uncertain significance (2). Last evaluated 2025-01-03.

Conditions:
Inborn genetic diseases. Identifiers: MedGen C0950123, MeSH D030342.

gnomAD v4.1: 2 of 1,614,010 alleles (0.00012%); highest among the groups gnomAD compares: Admixed American, 0.0033%; no homozygotes.

Submissions (2):

Ambry Genetics
Classification: Uncertain significance for Inborn genetic diseases. Last evaluated: 2025-01-03. Review status: criteria provided, single submitter. Criteria: Ambry Variant Classification Scheme 2023. Collection method: clinical testing. Allele origin: germline.

GeneDx
Classification: Uncertain significance. Last evaluated: 2024-05-22. Review status: criteria provided, single submitter. Criteria: GeneDx Variant Classification Process June 2021. Collection method: clinical testing. Allele origin: germline. Affected: yes.
Comment: In silico analysis indicates that this missense variant does not alter protein structure/function; Has not been previously published as pathogenic or benign to our knowledge